The following is an entry in ClinVar:

NM_206933.4(USH2A):c.7248T>G (p.Asn2416Lys)

Gene: USH2A (usherin; minus strand). Cytogenetic location: 1q41.
Variant type: single nucleotide variant.
Coding change: c.7248T>G on transcript NM_206933.4 (MANE Select); coding-DNA position 7248, T replaced by G.
Protein change: p.Asn2416Lys; replaces asparagine 2416 with lysine.
Molecular consequence: missense variant.
Genome position (GRCh38, 1-based): chr1:215,934,668, A>C on the plus strand (T>G on the coding strand, the complement: USH2A is on the minus strand). VCF-style: chr1-215934668-A-C. GRCh37 (hg19) VCF-style: chr1-216108010-A-C.
Other names: short protein forms N2416K.
Identifiers: ClinVar variation 2002888 (VCV002002888.4), dbSNP rs1190943874, ClinGen allele CA344857377.

ClinVar aggregate classification (germline): Uncertain significance (1 of 4 stars; one submission).

Submission:

Labcorp Genetics (formerly Invitae), Labcorp
Classification: Uncertain significance. Last evaluated: 2022-06-08. Review status: criteria provided, single submitter. Criteria: Invitae Variant Classification Sherloc (09022015). Collection method: clinical testing. Allele origin: germline.
Comment: This variant has not been reported in the literature in individuals affected with USH2A-related conditions. This variant is not present in population databases (gnomAD no frequency). This sequence change replaces asparagine, which is neutral and polar, with lysine, which is basic and polar, at codon 2416 of the USH2A protein (p.Asn2416Lys). Algorithms developed to predict the effect of missense changes on protein structure and function are either unavailable or do not agree on the potential impact of this missense change (SIFT: "Deleterious"; PolyPhen-2: "Probably Damaging"; Align-GVGD: "Class C0"). In summary, the available evidence is currently insufficient to determine the role of this variant in disease. Therefore, it has been classified as a Variant of Uncertain Significance.